The following is an entry in ClinVar:

ClinVar aggregate classification (germline): Uncertain significance (1 of 4 stars; one submission).

Allele frequency attached by ClinVar (database versions not stated): gnomAD 0.00001; TOPMed 0.00006.
gnomAD v4.1: 2 of 1,613,260 alleles (0.00012%); highest among the groups gnomAD compares: Admixed American, 0.0017%; no homozygotes.

Submission:

Labcorp Genetics (formerly Invitae), Labcorp
Classification: Uncertain significance. Last evaluated: 2022-02-09. Review status: criteria provided, single submitter. Criteria: Invitae Variant Classification Sherloc (09022015). Collection method: clinical testing. Allele origin: germline.
Comment: In summary, the available evidence is currently insufficient to determine the role of this variant in disease. Therefore, it has been classified as a Variant of Uncertain Significance. Algorithms developed to predict the effect of missense changes on protein structure and function output the following: SIFT: "Tolerated"; PolyPhen-2: "Benign"; Align-GVGD: "Class C0". The alanine amino acid residue is found in multiple mammalian species, which suggests that this missense change does not adversely affect protein function. This variant has not been reported in the literature in individuals affected with RTTN-related conditions. This variant is not present in population databases (gnomAD no frequency). This sequence change replaces threonine, which is neutral and polar, with alanine, which is neutral and non-polar, at codon 2145 of the RTTN protein (p.Thr2145Ala).

NM_173630.4(RTTN):c.6433A>G (p.Thr2145Ala)

Gene: RTTN (rotatin; minus strand). Cytogenetic location: 18q22.2.
Variant type: single nucleotide variant.
Coding change: c.6433A>G on transcript NM_173630.4 (MANE Select); coding-DNA position 6433, A replaced by G.
Protein change: p.Thr2145Ala; replaces threonine 2145 with alanine.
Molecular consequence: missense variant.
Genome position (GRCh38, 1-based): chr18:70,006,473, T>C on the plus strand (A>G on the coding strand, the complement: RTTN is on the minus strand). VCF-style: chr18-70006473-T-C. GRCh37 (hg19) VCF-style: chr18-67673709-T-C.
Other names: c.3697A>G, p.Thr1233Ala (NM_001318520.2); short protein forms T1233A, T2145A.
Identifiers: ClinVar variation 1464471 (VCV001464471.6), dbSNP rs996914209, ClinGen allele CA301964495.